The following is an entry in ClinVar:

NM_000494.4(COL17A1):c.2494C>G (p.Pro832Ala)

Gene: COL17A1 (collagen type XVII alpha 1 chain; minus strand). Cytogenetic location: 10q25.1.
Variant type: single nucleotide variant.
Coding change: c.2494C>G on transcript NM_000494.4 (MANE Select); coding-DNA position 2494, C replaced by G.
Protein change: p.Pro832Ala; replaces proline 832 with alanine.
Molecular consequence: missense variant.
Genome position (GRCh38, 1-based): chr10:104,043,522, G>C on the plus strand (C>G on the coding strand, the complement: COL17A1 is on the minus strand). VCF-style: chr10-104043522-G-C. GRCh37 (hg19) VCF-style: chr10-105803280-G-C.
Other names: short protein forms P832A.
Identifiers: ClinVar variation 3652579 (VCV003652579.2).
Genomic context (GRCh38, chr10:104,043,522, plus strand): 5'-CTATTGCTGATTTGGGGCAAAGCAAGAAAATAGACTGACCTGGGGCACCTGGAGGTCCTG[G>C]GGGTCCCATGGCTCCAGGAGGTCCTGGGGGGCCTGGGACAGTGAGCATCGATGACCCCTC-3'
Protein context (NP_000485.3, residues 822-842): PPGPPGAMGP[Pro832Ala]GPPGAPGPAG

ClinVar aggregate classification (germline): Uncertain significance (1 of 4 stars; one submission).

Submission:

Labcorp Genetics (formerly Invitae), Labcorp
Classification: Uncertain significance. Last evaluated: 2024-05-07. Review status: criteria provided, single submitter. Criteria: Invitae Variant Classification Sherloc (09022015). Collection method: clinical testing. Allele origin: germline.
Comment: This sequence change replaces proline, which is neutral and non-polar, with alanine, which is neutral and non-polar, at codon 832 of the COL17A1 protein (p.Pro832Ala). This variant is not present in population databases (gnomAD no frequency). This variant has not been reported in the literature in individuals affected with COL17A1-related conditions. Advanced modeling of protein sequence and biophysical properties (such as structural, functional, and spatial information, amino acid conservation, physicochemical variation, residue mobility, and thermodynamic stability) performed at Invitae indicates that this missense variant is not expected to disrupt COL17A1 protein function with a negative predictive value of 80%. In summary, the available evidence is currently insufficient to determine the role of this variant in disease. Therefore, it has been classified as a Variant of Uncertain Significance.